The following is an entry in ClinVar:

NM_004523.4(KIF11):c.1333A>T (p.Asn445Tyr)

Gene: KIF11 (kinesin family member 11; plus strand). Cytogenetic location: 10q23.33.
Variant type: single nucleotide variant.
Coding change: c.1333A>T on transcript NM_004523.4 (MANE Select); coding-DNA position 1333, A replaced by T.
Protein change: p.Asn445Tyr; replaces asparagine 445 with tyrosine.
Molecular consequence: missense variant.
Genome position (GRCh38, 1-based): chr10:92,630,203, A>T. VCF-style: chr10-92630203-A-T. GRCh37 (hg19) VCF-style: chr10-94389960-A-T.
Other names: short protein forms N445Y.
Identifiers: ClinVar variation 2228663 (VCV002228663.4), dbSNP rs1365304238, ClinGen allele CA377591637.
Genomic context (GRCh38, chr10:92,630,203, plus strand): 5'-CCAGCTCAGCGTTTTTTAAATTCTTATATTTAGGTTACAGAGTTGTTTATGGATAATAAA[A>T]ATGAACTTGACCAGTGTAAATCTGACCTGCAAAATAAAACACAAGAACTTGAAACCACTC-3'
Protein context (NP_004514.2, residues 435-455): RVTELFMDNK[Asn445Tyr]ELDQCKSDLQ

ClinVar aggregate classification (germline): Uncertain significance. Review status: criteria provided, multiple submitters, no conflicts (2 of 4 stars). 2 submissions from 2 submitters: Uncertain significance (2). Last evaluated 2024-02-12.

Conditions:
Inborn genetic diseases. Identifiers: MedGen C0950123, MeSH D030342.

Allele frequency attached by ClinVar (database versions not stated): gnomAD exomes below 0.00001; gnomAD 0.00001; TOPMed 0.00001.
gnomAD v4.1: 2 of 1,579,888 alleles (0.00013%); highest among the groups gnomAD compares: Admixed American, 0.0039%; no homozygotes.

Submissions (2):

Labcorp Genetics (formerly Invitae), Labcorp
Classification: Uncertain significance. Last evaluated: 2024-02-12. Review status: criteria provided, single submitter. Criteria: Invitae Variant Classification Sherloc (09022015). Collection method: clinical testing. Allele origin: germline.
Comment: This sequence change replaces asparagine, which is neutral and polar, with tyrosine, which is neutral and polar, at codon 445 of the KIF11 protein (p.Asn445Tyr). This variant is not present in population databases (gnomAD no frequency). This variant has not been reported in the literature in individuals affected with KIF11-related conditions. ClinVar contains an entry for this variant (Variation ID: 2228663). Advanced modeling of protein sequence and biophysical properties (such as structural, functional, and spatial information, amino acid conservation, physicochemical variation, residue mobility, and thermodynamic stability) performed at Invitae indicates that this missense variant is not expected to disrupt KIF11 protein function with a negative predictive value of 80%. In summary, the available evidence is currently insufficient to determine the role of this variant in disease. Therefore, it has been classified as a Variant of Uncertain Significance.

Ambry Genetics
Classification: Uncertain significance for Inborn genetic diseases. Last evaluated: 2021-01-07. Review status: criteria provided, single submitter. Criteria: Ambry Variant Classification Scheme 2023. Collection method: clinical testing. Allele origin: germline.
Comment: The c.1333A>T (p.N445Y) alteration is located in exon 12 (coding exon 12) of the KIF11 gene. This alteration results from a A to T substitution at nucleotide position 1333, causing the asparagine (N) at amino acid position 445 to be replaced by a tyrosine (Y). The p.N445Y alteration is predicted to be tolerated by in silico analysis. Based on insufficient or conflicting evidence, the clinical significance of this alteration remains unclear.